The following is an entry in ClinVar:

NM_004360.5(CDH1):c.608G>A (p.Gly203Asp)

Gene: CDH1 (cadherin 1; plus strand). Cytogenetic location: 16q22.1.
Variant type: single nucleotide variant.
Coding change: c.608G>A on transcript NM_004360.5 (MANE Select); coding-DNA position 608, G replaced by A.
Protein change: p.Gly203Asp; replaces glycine 203 with aspartic acid.
Molecular consequence: missense variant. On other transcripts: 5 prime UTR variant (2).
Genome position (GRCh38, 1-based): chr16:68,808,769, G>A. VCF-style: chr16-68808769-G-A. GRCh37 (hg19) VCF-style: chr16-68842672-G-A.
Other names: c.608G>A, p.Gly203Asp (NM_001317184.2); c.-1008G>A (NM_001317185.2); c.-1212G>A (NM_001317186.2); short protein forms G203D.
Identifiers: ClinVar variation 1751500 (VCV001751500.3), dbSNP rs753584564, ClinGen allele CA8129898.

ClinVar aggregate classification (germline): Uncertain significance (1 of 4 stars; one submission).

Conditions:
Hereditary cancer-predisposing syndrome. Also called: Hereditary Cancer Syndrome; Hereditary neoplastic syndrome; Neoplastic Syndromes, Hereditary; Tumor predisposition. Identifiers: Orphanet 140162, MedGen C0027672, MeSH D009386, MONDO:0015356.

Allele frequency attached by ClinVar (database versions not stated): ExAC 0.00001.
gnomAD v4.1: 5 of 1,614,158 alleles (0.00031%); highest among the groups gnomAD compares: Admixed American, 0.0017%; no homozygotes.

Submission:

Ambry Genetics
Classification: Uncertain significance for Hereditary cancer-predisposing syndrome. Last evaluated: 2024-05-27. Review status: criteria provided, single submitter. Criteria: Ambry Variant Classification Scheme 2023. Collection method: clinical testing. Allele origin: germline.
Comment: The p.G203D variant (also known as c.608G>A), located in coding exon 5 of the CDH1 gene, results from a G to A substitution at nucleotide position 608. The glycine at codon 203 is replaced by aspartic acid, an amino acid with similar properties. This amino acid position is well conserved in available vertebrate species. In addition, the in silico prediction for this alteration is inconclusive. Based on the available evidence, the clinical significance of this variant remains unclear.